The following is an entry in ClinVar:

ClinVar aggregate classification (germline): Uncertain significance (1 of 4 stars; one submission).

Conditions:
Inborn genetic diseases. Identifiers: MedGen C0950123, MeSH D030342.

gnomAD v4.1: 1 of 1,609,230 alleles (0.000062%); highest among the groups gnomAD compares: Non-Finnish European, 0.000085%; no homozygotes.

Submission:

Ambry Genetics
Classification: Uncertain significance for Inborn genetic diseases. Last evaluated: 2025-06-02. Review status: criteria provided, single submitter. Criteria: Ambry Variant Classification Scheme 2023. Collection method: clinical testing. Allele origin: germline.
Comment: The p.A197S variant (also known as c.589G>T), located in coding exon 4 of the KDM1A gene, results from a G to T substitution at nucleotide position 589. The alanine at codon 197 is replaced by serine, an amino acid with similar properties. This amino acid position is conserved. In addition, the in silico prediction for this alteration is inconclusive. Based on the available evidence, the clinical significance of this variant remains unclear.

NM_001009999.3(KDM1A):c.589G>T (p.Ala197Ser)

Gene: KDM1A (lysine demethylase 1A; plus strand). Cytogenetic location: 1p36.12.
Variant type: single nucleotide variant.
Coding change: c.589G>T on transcript NM_001009999.3 (MANE Select); coding-DNA position 589, G replaced by T.
Protein change: p.Ala197Ser; replaces alanine 197 with serine.
Molecular consequence: missense variant.
Genome position (GRCh38, 1-based): chr1:23,050,398, G>T. VCF-style: chr1-23050398-G-T. GRCh37 (hg19) VCF-style: chr1-23376891-G-T.
Other names: c.529G>T, p.Ala177Ser (NM_001363654.2, NM_001410763.1, NM_015013.4); c.589G>T, p.Ala197Ser (NM_001410762.1); short protein forms A177S, A197S.
Identifiers: ClinVar variation 4042173 (VCV004042173.1).